The following is an entry in ClinVar:

NM_203486.3(DLL3):c.1651G>A (p.Glu551Lys)

Gene: DLL3 (delta like canonical Notch ligand 3; plus strand). Cytogenetic location: 19q13.2.
Variant type: single nucleotide variant.
Coding change: c.1651G>A on transcript NM_203486.3 (MANE Select); coding-DNA position 1651, G replaced by A.
Protein change: p.Glu551Lys; replaces glutamic acid 551 with lysine.
Molecular consequence: missense variant.
Genome position (GRCh38, 1-based): chr19:39,507,596, G>A. VCF-style: chr19-39507596-G-A. GRCh37 (hg19) VCF-style: chr19-39998236-G-A.
Other names: c.1651G>A, p.Glu551Lys (NM_016941.4); short protein forms E551K.
Identifiers: ClinVar variation 1932691 (VCV001932691.2), dbSNP rs750062182, ClinGen allele CA9432488.

ClinVar aggregate classification (germline): Uncertain significance (1 of 4 stars; one submission).

Allele frequency attached by ClinVar (database versions not stated): TOPMed 0.00001.
gnomAD v4.1: 6 of 1,608,680 alleles (0.00037%); highest among the groups gnomAD compares: South Asian, 0.0055%; no homozygotes.

Submission:

Labcorp Genetics (formerly Invitae), Labcorp
Classification: Uncertain significance. Last evaluated: 2022-09-23. Review status: criteria provided, single submitter. Criteria: Invitae Variant Classification Sherloc (09022015). Collection method: clinical testing. Allele origin: germline.
Comment: This sequence change replaces glutamic acid, which is acidic and polar, with lysine, which is basic and polar, at codon 551 of the DLL3 protein (p.Glu551Lys). This variant is present in population databases (rs750062182, gnomAD 0.003%). This variant has not been reported in the literature in individuals affected with DLL3-related conditions. Algorithms developed to predict the effect of missense changes on protein structure and function are either unavailable or do not agree on the potential impact of this missense change (SIFT: "Deleterious"; PolyPhen-2: "Benign"; Align-GVGD: "Class C0"). In summary, the available evidence is currently insufficient to determine the role of this variant in disease. Therefore, it has been classified as a Variant of Uncertain Significance.